The following is an entry in ClinVar:

ClinVar aggregate classification (germline): Uncertain significance (1 of 4 stars; one submission).

Allele frequency attached by ClinVar (database versions not stated): TOPMed below 0.00001.

Submission:

Labcorp Genetics (formerly Invitae), Labcorp
Classification: Uncertain significance. Last evaluated: 2025-12-15. Review status: criteria provided, single submitter. Criteria: Invitae Variant Classification Sherloc (09022015). Collection method: clinical testing. Allele origin: germline.
Comment: This sequence change replaces proline, which is neutral and non-polar, with leucine, which is neutral and non-polar, at codon 103 of the ADSSL1 protein (p.Pro103Leu). This variant is not present in population databases (gnomAD no frequency). This variant has not been reported in the literature in individuals affected with ADSSL1-related conditions. ClinVar contains an entry for this variant (Variation ID: 2021138). An algorithm developed to predict the effect of missense changes on protein structure and function (PolyPhen-2) suggests that this variant is likely to be tolerated. In summary, the available evidence is currently insufficient to determine the role of this variant in disease. Therefore, it has been classified as a Variant of Uncertain Significance.

NM_152328.5(ADSS1):c.193-4820C>T

Gene: ADSS1 (adenylosuccinate synthase 1; plus strand). Cytogenetic location: 14q32.33.
Variant type: single nucleotide variant.
Coding change: c.193-4820C>T on transcript NM_152328.5 (MANE Select); 4820 bases into the intron before coding-DNA position 193, C replaced by T.
Molecular consequence: intron variant. On other transcripts: 5 prime UTR variant (1), missense variant (1).
Genome position (GRCh38, 1-based): chr14:104,730,200, C>T. VCF-style: chr14-104730200-C-T. GRCh37 (hg19) VCF-style: chr14-105196537-C-T.
Other names: c.-420C>T (NM_001320424.1); c.308C>T, p.Pro103Leu (NM_199165.2); short protein forms P103L.
Identifiers: ClinVar variation 2021138 (VCV002021138.4), dbSNP rs1890871296, ClinGen allele CA391233315.